The following is an entry in ClinVar:

NM_000090.4(COL3A1):c.1977+5G>A

Gene: COL3A1 (collagen type III alpha 1 chain; plus strand). Cytogenetic location: 2q32.2.
Variant type: single nucleotide variant.
Coding change: c.1977+5G>A on transcript NM_000090.4 (MANE Select); 5 bases into the intron after coding-DNA position 1977, G replaced by A.
Molecular consequence: intron variant.
Genome position (GRCh38, 1-based): chr2:188,998,324, G>A. VCF-style: chr2-188998324-G-A. GRCh37 (hg19) VCF-style: chr2-189863050-G-A.
Identifiers: ClinVar variation 636538 (VCV000636538.8), dbSNP rs1553508544, ClinGen allele CA915942286.
Genomic context (GRCh38, chr2:188,998,324, plus strand): 5'-AGGGCTTGCCTGGTACAGGTGGTCCTCCAGGAGAAAATGGAAAACCTGGGGAACCAGTAA[G>A]TTACGTTTCATTATTCAAAACTCAGAAACAAAAAGAATACACACTGTTTGTTTGTCAACT-3'

ClinVar aggregate classification (germline): Conflicting classifications of pathogenicity. Review status: criteria provided, conflicting classifications (1 of 4 stars). 4 submissions from 4 submitters: Pathogenic (1); Likely pathogenic (2); Uncertain significance (1). Last evaluated 2026-04-28.

Conditions:
Ehlers-Danlos syndrome, type 4 (EDSVASC). Also called: Ehlers-Danlos syndrome vascular type; Ehlers Danlos syndrome, ecchymotic type; Ehlers Danlos syndrome, arterial type; Ehlers Danlos syndrome, Sack-Barabas type; Ehlers-Danlos Syndrome Type IV. Identifiers: Orphanet 286, MedGen C0268338, MONDO:0017314, OMIM 130050.
COL3A1-related disorder. Also called: COL3A1-related condition.
Familial thoracic aortic aneurysm and aortic dissection (TAAD). Also called: Thoracic aortic aneurysms and dissections. Identifiers: Orphanet 91387, MedGen C4707243, MONDO:0019625.

Allele frequency attached by ClinVar (database versions not stated): gnomAD exomes below 0.00001.
gnomAD v4.1: 1 of 1,612,938 alleles (0.000062%); highest among the groups gnomAD compares: Non-Finnish European, 0.000085%; no homozygotes.

Submissions (4):

Ambry Genetics
Classification: Likely pathogenic for Familial thoracic aortic aneurysm and aortic dissection. Last evaluated: 2026-04-28. Review status: criteria provided, single submitter. Criteria: Ambry Variant Classification Scheme 2023. Collection method: clinical testing. Allele origin: germline.
Comment: The c.1977+5G>A intronic variant results from a G to A substitution 5 nucleotides after coding exon 28 in the COL3A1 gene. This variant was reported in individual(s) with features consistent with vascular Ehlers-Danlos syndrome (EDS) (Frank M et al. Eur J Hum Genet, 2015 Dec;23:1657-64; Ambry internal data). This nucleotide position is highly conserved in available vertebrate species. In silico splice site analysis predicts that this alteration will weaken the native splice donor site. This variant is considered to be rare based on population cohorts in the Genome Aggregation Database (gnomAD). Based on the majority of available evidence to date, this variant is likely to be pathogenic.

Labcorp Genetics (formerly Invitae), Labcorp
Classification: Pathogenic for Ehlers-Danlos syndrome, type 4. Last evaluated: 2026-01-20. Review status: criteria provided, single submitter. Criteria: Invitae Variant Classification Sherloc (09022015). Collection method: clinical testing. Allele origin: germline.
Comment: This sequence change falls in intron 28 of the COL3A1 gene. It does not directly change the encoded amino acid sequence of the COL3A1 protein. It affects a nucleotide within the consensus splice site. This variant is not present in population databases (gnomAD no frequency). This variant has been observed in individual(s) with Ehlers-Danlos syndrome (PMID: 25758994; internal data). In at least one individual the variant was observed to be de novo. ClinVar contains an entry for this variant (Variation ID: 636538). Variants that disrupt the consensus splice site are a relatively common cause of aberrant splicing (PMID: 17576681, 9536098). Algorithms developed to predict the effect of sequence changes on RNA splicing suggest that this variant may disrupt the consensus splice site. For these reasons, this variant has been classified as Pathogenic.

CeGaT Center for Human Genetics Tuebingen
Classification: Uncertain significance. Last evaluated: 2026-01-01. Review status: criteria provided, single submitter. Criteria: CeGaT Center For Human Genetics Tuebingen Variant Classification Criteria Version 2. Collection method: clinical testing. Allele origin: germline. Affected: yes. Observed: 1 variant allele.
Comment: COL3A1: PM2, PP3, PS4:Supporting

Blueprint Genetics
Classification: Likely pathogenic for COL3A1-related disorders. Last evaluated: 2017-11-22. Review status: criteria provided, single submitter. Criteria: ACMG Guidelines, 2015. Collection method: clinical testing. Allele origin: germline. Affected: yes. Observed: 1 variant allele.

Literature cited by the submitters: PubMed 25758994 (cited by Ambry Genetics and Labcorp Genetics (formerly Invitae), Labcorp); PubMed 30474650 (cited by Ambry Genetics); PubMed 17576681 (cited by Labcorp Genetics (formerly Invitae), Labcorp); PubMed 9536098 (cited by Labcorp Genetics (formerly Invitae), Labcorp).